The following is an entry in ClinVar:

NM_007294.4(BRCA1):c.-3G>A

Gene: BRCA1 (BRCA1 DNA repair associated; minus strand). Cytogenetic location: 17q21.31.
Variant type: single nucleotide variant.
Coding change: c.-3G>A on transcript NM_007294.4 (MANE Select); 3 bases upstream of the start codon, G replaced by A.
Molecular consequence: 5 prime UTR variant. On other transcripts: non-coding transcript variant (1).
Genome position (GRCh38, 1-based): chr17:43,124,099, C>T on the plus strand (G>A on the coding strand, the complement: BRCA1 is on the minus strand). VCF-style: chr17-43124099-C-T. GRCh37 (hg19) VCF-style: chr17-41276116-C-T.
Other names: c.-3G>A (NM_001408474.1, NM_001408475.1, NM_001408476.1 and 193 more transcripts); c.-191G>A (NM_001408478.1, NM_001408479.1, NM_001408480.1 and 46 more transcripts); c.-336G>A (NM_001408482.1); c.-307G>A (NM_001408492.1, NM_001407889.1); c.-90G>A (NM_001408496.1, NM_001408498.1, NM_007297.4 and 23 more transcripts); c.-267G>A (NM_001408497.1, NM_001407741.1, NM_001407934.1); c.-263G>A (NM_001408499.1, NM_001408500.1, NM_001408503.1 and 22 more transcripts); c.-260G>A (NM_001408501.1, NM_001407694.1, NM_001407724.1 and 11 more transcripts); and 8 more.
Identifiers: ClinVar variation 869051 (VCV000869051.3), dbSNP rs273900720, ClinGen allele CA916081137.
Genomic context (GRCh38, chr17:43,124,099, plus strand): 5'-TCTGCATAGCATTAATGACATTTTGTACTTCTTCAACGCGAAGAGCAGATAAATCCATTT[C>T]TTTCTGTTCCAATGAACTTTAACACATTAGAAAAACATATATATATATCTTTTTAAAAGG-3'

Conditions:
Breast-ovarian cancer, familial, susceptibility to, 1 (BROVCA1). Also called: BRCA1 Hereditary Breast and Ovarian Cancer; OVARIAN CANCER, SUSCEPTIBILITY TO. Identifiers: Orphanet 145, MedGen C2676676, MONDO:0011450, OMIM 604370. Disease mechanism: loss of function.

Submission:

Brotman Baty Institute, University of Washington
No classification provided (evidence only). Condition: Breast-ovarian cancer, familial 1. Review status: no classification provided. Collection method: in vitro. Allele origin: not applicable. Functional consequence: functionally_normal.
ClinVar note: "not provided" was previously submitted as the classification for the variant. However, the classification appeared to be based only on an observation of functional data so it was converted to no classification on 2025-07-30.